The following is an entry in ClinVar:

NM_001164665.2(KIAA1549):c.1627G>C (p.Val543Leu)

Gene: KIAA1549 (KIAA1549; minus strand). Cytogenetic location: 7q34.
Variant type: single nucleotide variant.
Coding change: c.1627G>C on transcript NM_001164665.2 (MANE Select); coding-DNA position 1627, G replaced by C.
Protein change: p.Val543Leu; replaces valine 543 with leucine.
Molecular consequence: missense variant.
Genome position (GRCh38, 1-based): chr7:138,917,999, C>G on the plus strand (G>C on the coding strand, the complement: KIAA1549 is on the minus strand). VCF-style: chr7-138917999-C-G. GRCh37 (hg19) VCF-style: chr7-138602745-C-G.
Other names: c.1627G>C, p.Val543Leu (NM_020910.3); short protein forms V543L.
Identifiers: ClinVar variation 2070391 (VCV002070391.4), dbSNP rs1812398093, ClinGen allele CA369397953.

ClinVar aggregate classification (germline): Uncertain significance (1 of 4 stars; one submission).

Allele frequency attached by ClinVar (database versions not stated): gnomAD 0.00001.
gnomAD v4.1: 1 of 1,600,324 alleles (0.000062%); highest among the groups gnomAD compares: Admixed American, 0.0018%; no homozygotes.

Submission:

Labcorp Genetics (formerly Invitae), Labcorp
Classification: Uncertain significance. Last evaluated: 2022-08-15. Review status: criteria provided, single submitter. Criteria: Invitae Variant Classification Sherloc (09022015). Collection method: clinical testing. Allele origin: germline.
Comment: In summary, the available evidence is currently insufficient to determine the role of this variant in disease. Therefore, it has been classified as a Variant of Uncertain Significance. Algorithms developed to predict the effect of missense changes on protein structure and function (SIFT, PolyPhen-2, Align-GVGD) all suggest that this variant is likely to be tolerated. This variant has not been reported in the literature in individuals affected with KIAA1549-related conditions. This variant is not present in population databases (gnomAD no frequency). This sequence change replaces valine, which is neutral and non-polar, with leucine, which is neutral and non-polar, at codon 543 of the KIAA1549 protein (p.Val543Leu).